The following is an entry in ClinVar:

NM_001085458.2(CTNND1):c.410C>T (p.Thr137Ile)

Genes: CTNND1 (catenin delta 1; plus strand), TMX2-CTNND1 (TMX2-CTNND1 readthrough (NMD candidate); plus strand). Cytogenetic location: 11q12.1.
Variant type: single nucleotide variant.
Coding change: c.410C>T on transcript NM_001085458.2 (MANE Select); coding-DNA position 410, C replaced by T.
Protein change: p.Thr137Ile; replaces threonine 137 with isoleucine.
Molecular consequence: missense variant. On other transcripts: non-coding transcript variant (1).
Genome position (GRCh38, 1-based): chr11:57,795,719, C>T. VCF-style: chr11-57795719-C-T. GRCh37 (hg19) VCF-style: chr11-57563191-C-T.
Other names: c.410C>T, p.Thr137Ile (NM_001085459.2, NM_001085460.2, NM_001085461.2 and 3 more transcripts); c.107C>T, p.Thr36Ile (NM_001085463.2, NM_001085464.2, NM_001085465.2 and 5 more transcripts); c.248C>T, p.Thr83Ile (NM_001206883.2, NM_001206884.2, NM_001206886.2 and 4 more transcripts); short protein forms T137I, T36I, T83I.
Identifiers: ClinVar variation 1310487 (VCV001310487.2), dbSNP rs374433581, ClinGen allele CA6010229.

ClinVar aggregate classification (germline): Uncertain significance (1 of 4 stars; one submission).

Allele frequency attached by ClinVar (database versions not stated): gnomAD exomes below 0.00001 and 0.00001; ExAC 0.00001; TOPMed 0.00001; gnomAD 0.00003; ESP Exome Variant Server 0.00008.
gnomAD v4.1: 8 of 1,596,666 alleles (0.0005%); highest among the groups gnomAD compares: African/African-American, 0.0054%; no homozygotes.

Submission:

GeneDx
Classification: Uncertain significance. Last evaluated: 2019-11-25. Review status: criteria provided, single submitter. Criteria: GeneDx Variant Classification Process June 2021. Collection method: clinical testing. Allele origin: germline. Affected: yes.
Comment: Not observed at a significant frequency in large population cohorts (Lek et al., 2016); In silico analysis, which includes protein predictors and evolutionary conservation, supports a deleterious effect; Has not been previously published as pathogenic or benign to our knowledge